The following is an entry in ClinVar:

NM_001206927.2(DNAH8):c.12951+7G>A

Gene: DNAH8 (dynein axonemal heavy chain 8; plus strand). Cytogenetic location: 6p21.2.
Variant type: single nucleotide variant.
Coding change: c.12951+7G>A on transcript NM_001206927.2 (MANE Select); 7 bases into the intron after coding-DNA position 12951, G replaced by A.
Molecular consequence: intron variant.
Genome position (GRCh38, 1-based): chr6:38,982,469, G>A. VCF-style: chr6-38982469-G-A. GRCh37 (hg19) VCF-style: chr6-38950245-G-A.
Other names: p.?; c.12300+7G>A (NM_001371.4); c.12951+7G>A (NM_001206927.1).
Identifiers: ClinVar variation 1136293 (VCV001136293.12), dbSNP rs565030663, ClinGen allele CA3791499.

ClinVar aggregate classification (germline): Likely benign. Review status: criteria provided, multiple submitters, no conflicts (2 of 4 stars). 3 submissions from 3 submitters: Likely benign (2). 1 of the submissions does not count toward it. Last evaluated 2025-09-30.

Conditions:
Primary ciliary dyskinesia. Also called: Ciliary dyskinesia. Identifiers: Orphanet 244, MedGen C0008780, MONDO:0016575, HP:0012265.
DNAH8-related disorder. Also called: DNAH8-related condition.

Allele frequency attached by ClinVar (database versions not stated): gnomAD exomes 0.00001 and 0.00004; ExAC 0.00007; gnomAD 0.00012 and 0.00014; TOPMed 0.00014; 1000 Genomes Project 30x 0.00016; 1000 Genomes Project 0.00020.
gnomAD v4.1: 32 of 1,318,524 alleles (0.0024%); highest among the groups gnomAD compares: African/African-American, 0.046%; no homozygotes.

Submissions (3):

Mayo Clinic Laboratories, Mayo Clinic
Classification: Likely benign. Last evaluated: 2025-09-30. Review status: criteria provided, single submitter. Criteria: ACMG Guidelines, 2015. Collection method: clinical testing. Allele origin: germline. Observed: 1 variant allele.
Comment: BP4, BP7

Labcorp Genetics (formerly Invitae), Labcorp
Classification: Likely benign for Primary ciliary dyskinesia. Last evaluated: 2018-01-18. Review status: criteria provided, single submitter. Criteria: Invitae Variant Classification Sherloc (09022015). Collection method: clinical testing. Allele origin: germline.

PreventionGenetics, part of Exact Sciences
Classification: Likely benign for DNAH8-related condition. Last evaluated: 2019-08-28. Review status: no assertion criteria provided. Collection method: clinical testing. Allele origin: germline. Not counted in ClinVar's aggregate classification.
Comment: This variant is classified as likely benign based on ACMG/AMP sequence variant interpretation guidelines (Richards et al. 2015 PMID: 25741868, with internal and published modifications).